The following is an entry in ClinVar:

NM_001378454.1(ALMS1):c.3163A>G (p.Lys1055Glu)

Gene: ALMS1 (ALMS1 centrosome and basal body associated protein; plus strand). Cytogenetic location: 2p13.1.
Variant type: single nucleotide variant.
Coding change: c.3163A>G on transcript NM_001378454.1 (MANE Select); coding-DNA position 3163, A replaced by G.
Protein change: p.Lys1055Glu; replaces lysine 1055 with glutamic acid.
Molecular consequence: missense variant.
Genome position (GRCh38, 1-based): chr2:73,449,690, A>G. VCF-style: chr2-73449690-A-G. GRCh37 (hg19) VCF-style: chr2-73676817-A-G.
Other names: c.3166A>G, p.Lys1056Glu (NM_015120.4); short protein forms K1055E, K1056E.
Identifiers: ClinVar variation 3358508 (VCV003358508.1).

ClinVar aggregate classification (germline): Uncertain significance (0 of 4 stars; one submission).

Conditions:
ALMS1-related disorder. Also called: ALMS1-related condition.

Submission:

PreventionGenetics, part of Exact Sciences
Classification: Uncertain significance for ALMS1-related condition. Last evaluated: 2024-06-13. Review status: no assertion criteria provided. Collection method: clinical testing. Allele origin: germline.
Comment: The ALMS1 c.3166A>G variant is predicted to result in the amino acid substitution p.Ser1056Gly. To our knowledge, this variant has not been reported in the literature. This variant is reported in 0.0% of alleles in individuals of African descent in gnomAD. At this time, the clinical significance of this variant is uncertain due to the absence of conclusive functional and genetic evidence.